The following is an entry in ClinVar:

ClinVar aggregate classification (germline): Uncertain significance. Review status: criteria provided, single submitter (1 of 4 stars). 2 submissions from 2 submitters: Uncertain significance (1). 1 of the submissions does not count toward it. Last evaluated 2023-03-17.

Allele frequency attached by ClinVar (database versions not stated): TOPMed below 0.00001.
gnomAD v4.1: 2 of 1,614,112 alleles (0.00012%); highest among the groups gnomAD compares: East Asian, 0.0022%; no homozygotes.

Submissions (2):

Labcorp Genetics (formerly Invitae), Labcorp
Classification: Uncertain significance. Last evaluated: 2023-03-17. Review status: criteria provided, single submitter. Criteria: Invitae Variant Classification Sherloc (09022015). Collection method: clinical testing. Allele origin: germline.
Comment: In summary, the available evidence is currently insufficient to determine the role of this variant in disease. Therefore, it has been classified as a Variant of Uncertain Significance. Advanced modeling of protein sequence and biophysical properties (such as structural, functional, and spatial information, amino acid conservation, physicochemical variation, residue mobility, and thermodynamic stability) performed at Invitae indicates that this missense variant is not expected to disrupt KMT2C protein function. ClinVar contains an entry for this variant (Variation ID: 134780). This variant has not been reported in the literature in individuals affected with KMT2C-related conditions. This variant is not present in population databases (gnomAD no frequency). This sequence change replaces serine, which is neutral and polar, with threonine, which is neutral and polar, at codon 3024 of the KMT2C protein (p.Ser3024Thr).

ITMI
No classification provided. Condition: AllHighlyPenetrant. Last evaluated: 2013-09-19. Review status: no classification provided. Collection method: reference population. Allele origin: germline. Not counted in ClinVar's aggregate classification.
Comment: Please see associated publication for description of ethnicities

Literature cited by the submitters: PubMed 24728327 (cited by ITMI).

NM_170606.3(KMT2C):c.9071G>C (p.Ser3024Thr)

Gene: KMT2C (lysine methyltransferase 2C; minus strand). Cytogenetic location: 7q36.1.
Variant type: single nucleotide variant.
Coding change: c.9071G>C on transcript NM_170606.3 (MANE Select); coding-DNA position 9071, G replaced by C.
Protein change: p.Ser3024Thr; replaces serine 3024 with threonine.
Molecular consequence: missense variant.
Genome position (GRCh38, 1-based): chr7:152,176,382, C>G on the plus strand (G>C on the coding strand, the complement: KMT2C is on the minus strand). VCF-style: chr7-152176382-C-G. GRCh37 (hg19) VCF-style: chr7-151873467-C-G.
Other names: short protein forms S3024T.
Identifiers: ClinVar variation 134780 (VCV000134780.8), dbSNP rs587778501, ClinGen allele CA160731.